The following is an entry in ClinVar:

NM_004415.4(DSP):c.6088T>C (p.Ser2030Pro)

Gene: DSP (desmoplakin; plus strand). Cytogenetic location: 6p24.3.
Variant type: single nucleotide variant.
Coding change: c.6088T>C on transcript NM_004415.4 (MANE Select); coding-DNA position 6088, T replaced by C.
Protein change: p.Ser2030Pro; replaces serine 2030 with proline.
Molecular consequence: missense variant.
Genome position (GRCh38, 1-based): chr6:7,583,350, T>C. VCF-style: chr6-7583350-T-C. GRCh37 (hg19) VCF-style: chr6-7583583-T-C.
Other names: c.6088T>C (NM_004415.3); c.4291T>C, p.Ser1431Pro (NM_001008844.3); c.4759T>C, p.Ser1587Pro (NM_001319034.2); short protein forms S1431P, S1587P, S2030P.
Identifiers: ClinVar variation 1055673 (VCV001055673.10), dbSNP rs1759514959, ClinGen allele CA362690053.

ClinVar aggregate classification (germline): Uncertain significance. Review status: criteria provided, multiple submitters, no conflicts (2 of 4 stars). 2 submissions from 2 submitters: Uncertain significance (2). Last evaluated 2023-09-03.

Conditions:
Arrhythmogenic cardiomyopathy with wooly hair and keratoderma. Also called: Carvajal syndrome; Dilated cardiomyopathy with woolly hair and keratoderma; Arrhythmogenic cardiomyopathy with woolly hair and keratoderma; PALMOPLANTAR KERATODERMA WITH LEFT VENTRICULAR CARDIOMYOPATHY AND WOOLLY HAIR. Identifiers: Orphanet 65282, MedGen C1854063, MONDO:0011581, OMIM 605676.
Arrhythmogenic right ventricular dysplasia 8 (ARVD8). Also called: Arrhythmogenic Right Ventricular Dysplasia/Cardiomyopathy 8; ARRHYTHMOGENIC RIGHT VENTRICULAR DYSPLASIA, FAMILIAL, 8; ARRHYTHMOGENIC RIGHT VENTRICULAR CARDIOMYOPATHY 8. Identifiers: MedGen C1843896, MONDO:0011831, OMIM 607450.

Allele frequency attached by ClinVar (database versions not stated): gnomAD exomes below 0.00001.
gnomAD v4.1: 1 of 1,614,190 alleles (0.000062%); highest among the groups gnomAD compares: Non-Finnish European, 0.000085%; no homozygotes.

Submissions (2):

Women's Health and Genetics/Laboratory Corporation of America, LabCorp
Classification: Uncertain significance. Last evaluated: 2023-09-03. Review status: criteria provided, single submitter. Criteria: LabCorp Variant Classification Summary - May 2015. Collection method: clinical testing. Allele origin: germline.

Labcorp Genetics (formerly Invitae), Labcorp
Classification: Uncertain significance for Arrhythmogenic cardiomyopathy with wooly hair and keratoderma; Arrhythmogenic right ventricular dysplasia 8. Last evaluated: 2020-08-14. Review status: criteria provided, single submitter. Criteria: Invitae Variant Classification Sherloc (09022015). Collection method: clinical testing. Allele origin: germline.
Comment: In summary, the available evidence is currently insufficient to determine the role of this variant in disease. Therefore, it has been classified as a Variant of Uncertain Significance. Algorithms developed to predict the effect of missense changes on protein structure and function are either unavailable or do not agree on the potential impact of this missense change (SIFT: "Deleterious"; PolyPhen-2: "Benign"; Align-GVGD: "Class C0"). This variant has not been reported in the literature in individuals with DSP-related conditions. This variant is not present in population databases (ExAC no frequency). This sequence change replaces serine with proline at codon 2030 of the DSP protein (p.Ser2030Pro). The serine residue is highly conserved and there is a moderate physicochemical difference between serine and proline.